The following is an entry in ClinVar:

ClinVar aggregate classification (germline): Benign. Review status: criteria provided, multiple submitters, no conflicts (2 of 4 stars). 6 submissions from 6 submitters: Benign (4). 2 of the submissions do not count toward it. Last evaluated 2026-02-01.

Conditions:
Joubert syndrome 21 (JBTS21). Identifiers: MedGen C3810212, MONDO:0014288, OMIM 615636.

Allele frequency attached by ClinVar (database versions not stated): gnomAD exomes 0.00063 and 0.00189; ExAC 0.00241; ESP Exome Variant Server 0.00654; gnomAD 0.00781 and 0.00835; TOPMed 0.00844; 1000 Genomes Project 0.00938; 1000 Genomes Project 30x 0.01046.

Submissions (6):

Labcorp Genetics (formerly Invitae), Labcorp
Classification: Benign for Joubert syndrome 21. Last evaluated: 2026-02-01. Review status: criteria provided, single submitter. Criteria: Invitae Variant Classification Sherloc (09022015). Collection method: clinical testing. Allele origin: germline.

Mayo Clinic Laboratories, Mayo Clinic
Classification: Benign. Last evaluated: 2023-10-16. Review status: criteria provided, single submitter. Criteria: ACMG Guidelines, 2015. Collection method: clinical testing. Allele origin: germline. Observed: 3 variant alleles.
Comment: BS1, BS2, BP4, BP7

GeneDx
Classification: Benign. Last evaluated: 2017-07-31. Review status: criteria provided, single submitter. Criteria: GeneDx Variant Classification (06012015). Collection method: clinical testing. Allele origin: germline. Affected: yes.
Comment: This variant is considered likely benign or benign based on one or more of the following criteria: it is a conservative change, it occurs at a poorly conserved position in the protein, it is predicted to be benign by multiple in silico algorithms, and/or has population frequency not consistent with disease.

Breakthrough Genomics
Classification: Benign. Review status: criteria provided, single submitter. Criteria: ACMG Guidelines, 2015. Collection method: not provided. Allele origin: germline. Inheritance: Autosomal recessive inheritance. Affected: yes.

Clinical Genetics DNA and cytogenetics Diagnostics Lab, Erasmus MC, Erasmus Medical Center
Classification: Likely benign. Review status: no assertion criteria provided. Collection method: clinical testing. Allele origin: germline. Affected: yes. Study: VKGL Data-share Consensus. Not counted in ClinVar's aggregate classification.

Clinical Genetics, Academic Medical Center
Classification: Benign. Review status: no assertion criteria provided. Collection method: clinical testing. Allele origin: germline. Affected: yes. Study: VKGL Data-share Consensus. Not counted in ClinVar's aggregate classification.

NM_001382391.1(CSPP1):c.1977T>C (p.Thr659=)

Gene: CSPP1 (centrosome and spindle pole associated protein 1; plus strand). Cytogenetic location: 8q13.2.
Variant type: single nucleotide variant.
Coding change: c.1977T>C on transcript NM_001382391.1 (MANE Select); coding-DNA position 1977, T replaced by C.
Protein change: p.Thr659=; no amino-acid change (threonine 659 retained).
Molecular consequence: synonymous variant. On other transcripts: intron variant (3).
Genome position (GRCh38, 1-based): chr8:67,149,784, T>C. VCF-style: chr8-67149784-T-C. GRCh37 (hg19) VCF-style: chr8-68062019-T-C.
Other names: p.Thr654=; c.1896T>C, p.Thr632= (NM_001363131.2); c.2043T>C, p.Thr681= (NM_001364869.1); c.1863T>C, p.Thr621= (NM_001364870.1); c.1962T>C, p.Thr654= (NM_024790.7); c.1934-4240T>C (NM_001363132.2); c.1853-4240T>C (NM_001363133.2); c.1079-4240T>C (NM_001291339.2).
Identifiers: ClinVar variation 474852 (VCV000474852.17), dbSNP rs114177619, ClinGen allele CA4770714.